The following is an entry in ClinVar:

ClinVar aggregate classification (germline): Uncertain significance. Review status: criteria provided, multiple submitters, no conflicts (2 of 4 stars). 2 submissions from 2 submitters: Uncertain significance (2). Last evaluated 2026-05-15.

Conditions:
Gastrointestinal stromal tumor. Also called: Gastrointestinal stroma tumor; Gastrointestinal stromal tumor, somatic. Identifiers: Orphanet 44890, MedGen C0238198, MeSH D046152, MONDO:0011719, OMIM 606764, HP:0100723.
Hereditary cancer-predisposing syndrome. Also called: Hereditary neoplastic syndrome; Neoplastic Syndromes, Hereditary; Hereditary Cancer Syndrome; Tumor predisposition. Identifiers: Orphanet 140162, MedGen C0027672, MeSH D009386, MONDO:0015356.

Submissions (2):

Ambry Genetics
Classification: Uncertain significance for Hereditary cancer-predisposing syndrome. Last evaluated: 2026-05-15. Review status: criteria provided, single submitter. Criteria: Ambry Variant Classification Scheme 2023. Collection method: clinical testing. Allele origin: germline.
Comment: The p.N684S variant (also known as c.2051A>G), located in coding exon 14 of the PDGFRA gene, results from an A to G substitution at nucleotide position 2051. The asparagine at codon 684 is replaced by serine, an amino acid with highly similar properties. This amino acid position is highly conserved in available vertebrate species. In addition, the in silico prediction for this alteration is inconclusive. Based on the available evidence, the clinical significance of this variant remains unclear.

Labcorp Genetics (formerly Invitae), Labcorp
Classification: Uncertain significance for Gastrointestinal stromal tumor. Last evaluated: 2022-01-14. Review status: criteria provided, single submitter. Criteria: Invitae Variant Classification Sherloc (09022015). Collection method: clinical testing. Allele origin: germline.
Comment: This sequence change replaces asparagine, which is neutral and polar, with serine, which is neutral and polar, at codon 684 of the PDGFRA protein (p.Asn684Ser). This variant is not present in population databases (gnomAD no frequency). This variant has not been reported in the literature in individuals affected with PDGFRA-related conditions. Algorithms developed to predict the effect of missense changes on protein structure and function (SIFT, PolyPhen-2, Align-GVGD) all suggest that this variant is likely to be tolerated. In summary, the available evidence is currently insufficient to determine the role of this variant in disease. Therefore, it has been classified as a Variant of Uncertain Significance.

NM_006206.6(PDGFRA):c.2051A>G (p.Asn684Ser)

Gene: PDGFRA (platelet derived growth factor receptor alpha; plus strand). Cytogenetic location: 4q12.
Variant type: single nucleotide variant.
Coding change: c.2051A>G on transcript NM_006206.6 (MANE Select); coding-DNA position 2051, A replaced by G.
Protein change: p.Asn684Ser; replaces asparagine 684 with serine.
Molecular consequence: missense variant.
Genome position (GRCh38, 1-based): chr4:54,278,410, A>G. VCF-style: chr4-54278410-A-G. GRCh37 (hg19) VCF-style: chr4-55144577-A-G.
Other names: c.2051A>G, p.Asn684Ser (NM_001347827.2, NM_001347829.2); c.2126A>G, p.Asn709Ser (NM_001347828.2); c.2090A>G, p.Asn697Ser (NM_001347830.2); short protein forms N684S, N697S, N709S.
Identifiers: ClinVar variation 2081699 (VCV002081699.5), dbSNP rs2110315452, ClinGen allele CA356893927.